The following is an entry in ClinVar:

ClinVar aggregate classification (germline): Likely pathogenic (0 of 4 stars; one submission).

Conditions:
Neural tube defect (NTD). Also called: Neural tube defects. Identifiers: Orphanet 3388, Orphanet 823, MedGen C0027794, MONDO:0018075, HP:0045005.

Allele frequency attached by ClinVar (database versions not stated): gnomAD 0.00001 and 0.00003; gnomAD exomes 0.00001 and 0.00002; ExAC 0.00002; TOPMed 0.00002; ESP Exome Variant Server 0.00010.
gnomAD v4.1: 12 of 1,613,630 alleles (0.00074%); highest among the groups gnomAD compares: African/African-American, 0.0013%; no homozygotes.

Submission:

Finnell Lab, Baylor College of Medicine
Classification: Likely pathogenic for Neural tube defects, susceptibility to. Review status: no assertion criteria provided. Collection method: case-control. Allele origin: unknown. Affected: yes. Observed: 1 heterozygote.
Comment: In vitro functional study described this variant affects RAD9B's protein function.

NM_001286535.2(RAD9B):c.28A>G (p.Ser10Gly)

Gene: RAD9B (RAD9 checkpoint clamp component B; plus strand). Cytogenetic location: 12q24.11.
Variant type: single nucleotide variant.
Coding change: c.28A>G on transcript NM_001286535.2 (MANE Select); coding-DNA position 28, A replaced by G.
Protein change: p.Ser10Gly; replaces serine 10 with glycine.
Molecular consequence: missense variant. On other transcripts: 5 prime UTR variant (6), intron variant (3).
Genome position (GRCh38, 1-based): chr12:110,502,365, A>G. VCF-style: chr12-110502365-A-G. GRCh37 (hg19) VCF-style: chr12-110940170-A-G.
Other names: c.-182A>G (NM_001286532.2); c.-596A>G (NM_001286533.2); c.-659A>G (NM_001286534.2); c.28A>G, p.Ser10Gly (NM_001286536.2, NM_001368052.1, NM_152442.4); c.-118A>G (NM_001368051.1); c.-187A>G (NM_001368053.1); c.-122A>G (NM_001368054.1); c.-171+11A>G (NM_001286531.2); and 1 more; short protein forms S10G.
Identifiers: ClinVar variation 694398 (VCV000694398.2), dbSNP rs372056091, ClinGen allele CA6785862.
Genomic context (GRCh38, chr12:110,502,365, plus strand): 5'-AGGCGCGCCTTCCGAGCCTGCTTTTTAGGGCGGATGGCAGCCATGCTGAAGTGCGTGATG[A>G]GCGGCAGTCAGGTGAAAGGTGGAGCGGCCTTTGTTGTCTTCCCATTTAGCAGAGAGAAAA-3'
Protein context (NP_001273464.1, residues 1-20): MAAMLKCVM[Ser10Gly]GSQVKVFGKA